The following is an entry in ClinVar:

ClinVar aggregate classification (germline): Benign/Likely benign. Review status: criteria provided, multiple submitters, no conflicts (2 of 4 stars). 12 submissions from 12 submitters: Benign (7); Likely benign (3). 2 of the submissions do not count toward it. Last evaluated 2026-02-02.

Conditions:
Bardet-Biedl syndrome (BBS). Identifiers: Orphanet 110, MedGen C0752166, MONDO:0015229.
Bardet-Biedl syndrome 1 (BBS1). Identifiers: MedGen C2936862, MONDO:0008854, OMIM 209900. Disease mechanism: loss of function.
Bardet-Biedl syndrome 12 (BBS12). Identifiers: Orphanet 110, MedGen C1859570, MONDO:0014440, OMIM 615989.

Allele frequency attached by ClinVar (database versions not stated): gnomAD exomes 0.00591 and 0.00215; ExAC 0.00773; gnomAD 0.02341 and 0.02523; 1000 Genomes Project 0.02356; 1000 Genomes Project 30x 0.02592; TOPMed 0.02633; ESP Exome Variant Server 0.02868.
gnomAD v4.1: 6,825 of 1,614,222 alleles (0.42%); highest among the groups gnomAD compares: African/African-American, 8.1%; 255 homozygotes.

Submissions (12):

Labcorp Genetics (formerly Invitae), Labcorp
Classification: Benign for Bardet-Biedl syndrome. Last evaluated: 2026-02-02. Review status: criteria provided, single submitter. Criteria: Invitae Variant Classification Sherloc (09022015). Collection method: clinical testing. Allele origin: germline.

Women's Health and Genetics/Laboratory Corporation of America, LabCorp
Classification: Likely benign. Last evaluated: 2021-12-10. Review status: criteria provided, single submitter. Criteria: LabCorp Variant Classification Summary - May 2015. Collection method: clinical testing. Allele origin: germline.

GeneDx
Classification: Benign. Last evaluated: 2021-05-05. Review status: criteria provided, single submitter. Criteria: GeneDx Variant Classification Process June 2021. Collection method: clinical testing. Allele origin: germline. Affected: yes.
Comment: This variant is associated with the following publications: (PMID: 20498079, 22025579, 27884173, 27894351)

Center for Pediatric Genomic Medicine, Children's Mercy Hospital and Clinics
Classification: Benign. Last evaluated: 2017-05-30. Review status: criteria provided, single submitter. Criteria: ACMG Guidelines, 2015. Collection method: clinical testing. Allele origin: germline.

Illumina Laboratory Services, Illumina
Classification: Likely benign for Bardet-Biedl syndrome 12. Last evaluated: 2017-04-27. Review status: criteria provided, single submitter. Criteria: ICSL Variant Classification Criteria 13 December 2019. Collection method: clinical testing. Allele origin: germline.
Comment: This variant was observed as part of a predisposition screen in an ostensibly healthy population. A literature search was performed for the gene, cDNA change, and amino acid change (where applicable). Publications were found based on this search. The evidence from the literature, in combination with allele frequency data from public databases where available, was sufficient to determine this variant is unlikely to cause disease. Therefore, this variant is classified as likely benign.

Eurofins Ntd Llc (ga)
Classification: Benign. Last evaluated: 2016-07-05. Review status: criteria provided, single submitter. Criteria: EGL Classification Definitions 2015. Collection method: clinical testing. Allele origin: germline. Observed: 1 variant allele, 1 heterozygote.

Clinical Genetics DNA and cytogenetics Diagnostics Lab, Erasmus MC, Erasmus Medical Center
Classification: Benign for Bardet-Biedl syndrome 1. Last evaluated: 2015-09-21. Review status: criteria provided, single submitter. Criteria: ACGS Guidelines, 2013. Collection method: clinical testing. Allele origin: germline. Affected: yes. Study: VKGL Data-share Consensus.

Genome Diagnostics Laboratory, University Medical Center Utrecht
Classification: Benign for Bardet-Biedl syndrome 1. Last evaluated: 2014-12-15. Review status: criteria provided, single submitter. Criteria: ACGS Guidelines, 2013. Collection method: clinical testing. Allele origin: germline. Affected: yes. Study: VKGL Data-share Consensus.

Breakthrough Genomics
Classification: Likely benign. Review status: criteria provided, single submitter. Criteria: ACMG Guidelines, 2015. Collection method: not provided. Allele origin: germline. Inheritance: Autosomal recessive inheritance. Affected: yes.

PreventionGenetics, part of Exact Sciences
Classification: Benign. Review status: criteria provided, single submitter. Criteria: ACMG Guidelines, 2015. Collection method: clinical testing. Allele origin: germline.

Natera, Inc.
Classification: Benign for Bardet-Biedl syndrome type 12. Last evaluated: 2020-09-16. Review status: no assertion criteria provided. Collection method: clinical testing. Allele origin: germline. Not counted in ClinVar's aggregate classification.

NEI Ophthalmic Genomics Laboratory, National Institutes of Health
No classification provided. Review status: no classification provided. Collection method: not provided. Allele origin: not provided. Not counted in ClinVar's aggregate classification.

Literature cited by the submitters: PubMed 22025579 (cited by Illumina Laboratory Services, Illumina).

NM_152618.3(BBS12):c.1381A>C (p.Asn461His)

Gene: BBS12 (Bardet-Biedl syndrome 12; plus strand). Cytogenetic location: 4q27.
Variant type: single nucleotide variant.
Coding change: c.1381A>C on transcript NM_152618.3 (MANE Select); coding-DNA position 1381, A replaced by C.
Protein change: p.Asn461His; replaces asparagine 461 with histidine.
Molecular consequence: missense variant.
Genome position (GRCh38, 1-based): chr4:122,743,273, A>C. VCF-style: chr4-122743273-A-C. GRCh37 (hg19) VCF-style: chr4-123664428-A-C.
Other names: c.1381A>C, p.Asn461His (NM_001178007.2); short protein forms N461H.
Identifiers: ClinVar variation 100564 (VCV000100564.25), dbSNP rs10027479, ClinGen allele CA228886.
Genomic context (GRCh38, chr4:122,743,273, plus strand): 5'-GTGATGCAGGCTTTTGCAGAGGCTGCAGGAGCAGTACAGGTGGCCTACATTACACAAGTG[A>C]ATGAAGATTGTGTGGGCGACGGGGTCTGCGTGACCTTCTGGAGAAGCAGCCCTTTGGATG-3'
Protein context (NP_689831.2, residues 451-471): AVQVAYITQV[Asn461His]EDCVGDGVCV